The following is an entry in ClinVar:

ClinVar aggregate classification (germline): Likely benign (1 of 4 stars; one submission).

gnomAD v4.1: 24 of 1,614,168 alleles (0.0015%); highest among the groups gnomAD compares: East Asian, 0.04%; no homozygotes.

Submission:

Mayo Clinic Laboratories, Mayo Clinic
Classification: Likely benign. Last evaluated: 2025-09-10. Review status: criteria provided, single submitter. Criteria: ACMG Guidelines, 2015. Collection method: clinical testing. Allele origin: germline. Observed: 1 variant allele.
Comment: BP4, BP5_strong

Literature cited by the submitters: PubMed 38297435.

NM_002336.3(LRP6):c.230G>A (p.Arg77Gln)

Gene: LRP6 (LDL receptor related protein 6; minus strand). Cytogenetic location: 12p13.2.
Variant type: single nucleotide variant.
Coding change: c.230G>A on transcript NM_002336.3 (MANE Select); coding-DNA position 230, G replaced by A.
Protein change: p.Arg77Gln; replaces arginine 77 with glutamine.
Molecular consequence: missense variant. On other transcripts: 5 prime UTR variant (2), non-coding transcript variant (1), intron variant (1).
Genome position (GRCh38, 1-based): chr12:12,244,481, C>T on the plus strand (G>A on the coding strand, the complement: LRP6 is on the minus strand). VCF-style: chr12-12244481-C-T. GRCh37 (hg19) VCF-style: chr12-12397415-C-T.
Other names: p.Arg77Gln; c.230G>A, p.Arg77Gln (NM_001414244.1, NM_001414245.1, NM_001414246.1 and 6 more transcripts); c.-224G>A (NM_001414253.1); c.-220G>A (NM_001414254.1); c.-5+22200G>A (NM_001414252.1); short protein forms R77Q.
Identifiers: ClinVar variation 4683730 (VCV004683730.1).
Genomic context (GRCh38, chr12:12,244,481, plus strand): 5'-GGGGACAATAATCCAGAAACAACAACATTCTGCACACTCTCAGTTTTGTTAAATTCTGTT[C>T]GTTTAATGGCTTCTTCGCTGACATCACTCCAGTATATCAAGCCATGACTAAACACAAAGT-3'
Protein context (NP_002327.2, residues 67-87): WSDVSEEAIK[Arg77Gln]TEFNKTESVQ